The following is an entry in ClinVar:

ClinVar aggregate classification (germline): Uncertain significance (1 of 4 stars; one submission).

Allele frequency attached by ClinVar (database versions not stated): gnomAD 0.00001; ExAC 0.00003; TOPMed 0.00003.
gnomAD v4.1: 39 of 1,611,016 alleles (0.0024%); highest among the groups gnomAD compares: Admixed American, 0.013%; no homozygotes.

Submission:

Labcorp Genetics (formerly Invitae), Labcorp
Classification: Uncertain significance. Last evaluated: 2022-08-01. Review status: criteria provided, single submitter. Criteria: Invitae Variant Classification Sherloc (09022015). Collection method: clinical testing. Allele origin: germline.
Comment: This sequence change falls in intron 2 of the SLC25A3 gene. It does not directly change the encoded amino acid sequence of the SLC25A3 protein. This variant is present in population databases (rs772631300, gnomAD 0.02%). This variant has not been reported in the literature in individuals affected with SLC25A3-related conditions. Algorithms developed to predict the effect of sequence changes on RNA splicing suggest that this variant may disrupt the consensus splice site. In summary, the available evidence is currently insufficient to determine the role of this variant in disease. Therefore, it has been classified as a Variant of Uncertain Significance.

NM_002635.4(SLC25A3):c.158-301C>G

Gene: SLC25A3 (solute carrier family 25 member 3; plus strand). Cytogenetic location: 12q23.1.
Variant type: single nucleotide variant.
Coding change: c.158-301C>G on transcript NM_002635.4 (MANE Select); 301 bases into the intron before coding-DNA position 158, C replaced by G.
Molecular consequence: intron variant.
Genome position (GRCh38, 1-based): chr12:98,595,426, C>G. VCF-style: chr12-98595426-C-G. GRCh37 (hg19) VCF-style: chr12-98989204-C-G.
Other names: c.158-301C>G (NM_213611.3); c.158-7C>G (NM_005888.4).
Identifiers: ClinVar variation 2107543 (VCV002107543.1), dbSNP rs772631300, ClinGen allele CA6732852.